The following is an entry in ClinVar:

NM_000051.4(ATM):c.5076A>C (p.Lys1692Asn)

Gene: ATM (ATM serine/threonine kinase; plus strand). Cytogenetic location: 11q22.3.
Variant type: single nucleotide variant.
Coding change: c.5076A>C on transcript NM_000051.4 (MANE Select); coding-DNA position 5076, A replaced by C.
Protein change: p.Lys1692Asn; replaces lysine 1692 with asparagine.
Molecular consequence: missense variant.
Genome position (GRCh38, 1-based): chr11:108,299,784, A>C. VCF-style: chr11-108299784-A-C. GRCh37 (hg19) VCF-style: chr11-108170511-A-C.
Other names: c.5076A>C, p.Lys1692Asn (NM_001351834.2); short protein forms K1692N.
Identifiers: ClinVar variation 246410 (VCV000246410.24), dbSNP rs767841041, ClinGen allele CA6265625.
Genomic context (GRCh38, chr11:108,299,784, plus strand): 5'-AAGCTGCTTGGGAGAAGTGGGTCCTATAGATTTCTCTACCATAGCTATACAACATAGTAA[A>C]GATGCATCTTATACCAAGGCCCTTAAGTTATTTGAAGATAAAGAACTTCAGTGGACCTTC-3'
Protein context (NP_000042.3, residues 1682-1702): DFSTIAIQHS[Lys1692Asn]DASYTKALKL

ClinVar aggregate classification (germline): Uncertain significance. Review status: criteria provided, multiple submitters, no conflicts (2 of 4 stars). 6 submissions from 6 submitters: Uncertain significance (5). 1 of the submissions does not count toward it. Last evaluated 2024-12-20.

Conditions:
Familial cancer of breast. Also called: BREAST CANCER, FAMILIAL; Hereditary breast cancer; hereditary breast carcinoma. Identifiers: Orphanet 227535, MedGen C0346153, MONDO:0016419, OMIM 114480. Disease mechanism: loss of function.
Ataxia-telangiectasia syndrome (AT). Also called: Cerebello-oculocutaneous telangiectasia; Immunodeficiency with ataxia telangiectasia; Ataxia-telangiectasia; Ataxia telangiectasia (A-T); LOUIS-BAR SYNDROME; Ataxia-telangiectasia, complementation group D. Identifiers: Orphanet 100, MedGen C0004135, MONDO:0008840, OMIM 208900.
Hereditary cancer-predisposing syndrome. Also called: Neoplastic Syndromes, Hereditary; Tumor predisposition; Hereditary neoplastic syndrome; Hereditary Cancer Syndrome. Identifiers: Orphanet 140162, MedGen C0027672, MeSH D009386, MONDO:0015356.

Allele frequency attached by ClinVar (database versions not stated): gnomAD exomes below 0.00001 and 0.00001; TOPMed below 0.00001; ExAC 0.00001; gnomAD 0.00001.
gnomAD v4.1: 4 of 1,613,950 alleles (0.00025%); highest among the groups gnomAD compares: Non-Finnish European, 0.00034%; no homozygotes.

Submissions (6):

Ambry Genetics
Classification: Uncertain significance for Hereditary cancer-predisposing syndrome. Last evaluated: 2024-12-20. Review status: criteria provided, single submitter. Criteria: Ambry Variant Classification Scheme 2023. Collection method: clinical testing. Allele origin: germline.
Comment: The p.K1692N variant (also known as c.5076A>C), located in coding exon 33 of the ATM gene, results from an A to C substitution at nucleotide position 5076. The lysine at codon 1692 is replaced by asparagine, an amino acid with similar properties. This amino acid position is not well conserved in available vertebrate species. In addition, this alteration is predicted to be tolerated by in silico analysis. Based on the available evidence, the clinical significance of this variant remains unclear.

Labcorp Genetics (formerly Invitae), Labcorp
Classification: Uncertain significance for Ataxia-telangiectasia syndrome. Last evaluated: 2024-01-16. Review status: criteria provided, single submitter. Criteria: Invitae Variant Classification Sherloc (09022015). Collection method: clinical testing. Allele origin: germline.
Comment: This sequence change replaces lysine, which is basic and polar, with asparagine, which is neutral and polar, at codon 1692 of the ATM protein (p.Lys1692Asn). This variant is present in population databases (rs767841041, gnomAD 0.002%). This variant has not been reported in the literature in individuals affected with ATM-related conditions. ClinVar contains an entry for this variant (Variation ID: 246410). An algorithm developed to predict the effect of missense changes on protein structure and function (PolyPhen-2) suggests that this variant¬†is likely to be tolerated. Algorithms developed to predict the effect of sequence changes on RNA splicing suggest that this variant may create or strengthen a splice site. In summary, the available evidence is currently insufficient to determine the role of this variant in disease. Therefore, it has been classified as a Variant of Uncertain Significance.

Baylor Genetics
Classification: Uncertain significance for Familial cancer of breast. Last evaluated: 2023-11-20. Review status: criteria provided, single submitter. Criteria: ACMG Guidelines, 2015. Collection method: clinical testing. Allele origin: unknown.

Color Diagnostics, LLC DBA Color Health
Classification: Uncertain significance for Hereditary cancer-predisposing syndrome. Last evaluated: 2019-06-04. Review status: criteria provided, single submitter. Criteria: ACMG Guidelines, 2015. Collection method: clinical testing. Allele origin: germline.

GeneDx
Classification: Uncertain significance. Last evaluated: 2016-02-11. Review status: criteria provided, single submitter. Criteria: GeneDx Variant Classification (06012015). Collection method: clinical testing. Allele origin: germline. Affected: yes.
Comment: This variant is denoted ATM c.5076A>C at the cDNA level, p.Lys1692Asn (K1692N) at the protein level, and results in the change of a Lysine to an Asparagine (AAA>AAC). This variant has not, to our knowledge, been published in the literature as pathogenic or benign. ATM Lys1692Asn was not observed in approximately 6,500 individuals of European and African American ancestry in the NHLBI Exome Sequencing Project, suggesting it is not a common benign variant in these populations. Since Lysine and Asparagine differ in some properties, this is considered a semi-conservative amino acid substitution. ATM Lys1692Asn occurs at a position that is not conserved and is not located in a known functional domain (Tavtigian 2009, Stracker 2013). In silico analyses are inconsistent regarding the effect this variant may have on protein structure and function. Based on currently available evidence, it is unclear whether ATM Lys1692Asn is a pathogenic or benign variant. We consider it to be a variant of uncertain significance.

Natera, Inc.
Classification: Uncertain significance for Ataxia-telangiectasia. Last evaluated: 2021-07-02. Review status: no assertion criteria provided. Collection method: clinical testing. Allele origin: germline. Not counted in ClinVar's aggregate classification.